The following is an entry in ClinVar:

ClinVar aggregate classification (germline): Uncertain significance (1 of 4 stars; one submission).

Conditions:
Inherited MMR deficiency (Lynch syndrome).

Submission:

Genetics Laboratory, Great Ormond Street Hospital NHS Foundation Trust, North Thames Genomic Laboratory Hub
Classification: Uncertain significance for Inherited MMR deficiency (Lynch syndrome). Last evaluated: 2026-02-20. Review status: criteria provided, single submitter. Criteria: CanVIG MMR Gene Specific V1.7. Collection method: clinical testing. Allele origin: germline. Affected: yes.
Comment: PM2_supporting, PP3_moderate, PM5_supporting, PP4_supporting

NM_000179.3(MSH6):c.3188T>C (p.Leu1063Pro)

Gene: MSH6 (mutS homolog 6; plus strand). Cytogenetic location: 2p16.3.
Variant type: single nucleotide variant.
Coding change: c.3188T>C on transcript NM_000179.3 (MANE Select); coding-DNA position 3188, T replaced by C.
Protein change: p.Leu1063Pro; replaces leucine 1063 with proline.
Molecular consequence: missense variant. On other transcripts: 5 prime UTR variant (1), non-coding transcript variant (5), intron variant (1).
Genome position (GRCh38, 1-based): chr2:47,803,435, T>C. VCF-style: chr2-47803435-T-C. GRCh37 (hg19) VCF-style: chr2-48030574-T-C.
Other names: c.2891T>C, p.Leu964Pro (NM_001406801.1, NM_001406805.1, NM_001406821.1 and 10 more transcripts); c.3284T>C, p.Leu1095Pro (NM_001406802.1, NM_001406795.1); c.2324T>C, p.Leu775Pro (NM_001406803.1); c.3110T>C, p.Leu1037Pro (NM_001406804.1); c.2663T>C, p.Leu888Pro (NM_001406806.1, NM_001406807.1, NM_001406799.1); c.3188T>C, p.Leu1063Pro (NM_001406808.1, NM_001406809.1, NM_001406796.1 and 1 more transcripts); c.2282T>C, p.Leu761Pro (NM_001406811.1, NM_001406823.1, NM_001406829.1 and 6 more transcripts); c.3020T>C, p.Leu1007Pro (NM_001406826.1); and 7 more; short protein forms L1007P, L1037P, L1063P, L1065P, L1095P, L12P, L378P, L541P.
Identifiers: ClinVar variation 4820329 (VCV004820329.1).